The following is an entry in ClinVar:

NM_003803.4(MYOM1):c.183C>G (p.Phe61Leu)

Gene: MYOM1 (myomesin 1; minus strand). Cytogenetic location: 18p11.31.
Variant type: single nucleotide variant.
Coding change: c.183C>G on transcript NM_003803.4 (MANE Select); coding-DNA position 183, C replaced by G.
Protein change: p.Phe61Leu; replaces phenylalanine 61 with leucine.
Molecular consequence: missense variant.
Genome position (GRCh38, 1-based): chr18:3,215,041, G>C on the plus strand (C>G on the coding strand, the complement: MYOM1 is on the minus strand). VCF-style: chr18-3215041-G-C. GRCh37 (hg19) VCF-style: chr18-3215039-G-C.
Other names: c.183C>G, p.Phe61Leu (NM_019856.2); short protein forms F61L.
Identifiers: ClinVar variation 3401834 (VCV003401834.2).
Genomic context (GRCh38, chr18:3,215,041, plus strand): 5'-TTCAGAGCTCAGGGCGTGCTGCGAGGCCTGCTGCTGGGAGGAGGAGGCGGACGCCCGACG[G>C]AAGGCCTCGGACTCCCGGCGGTGCGCGGCGGAGGAGCGGCTGCTGTAGGCCGTGGAGCCC-3'
Protein context (NP_003794.3, residues 51-71): SAAHRRESEA[Phe61Leu]RRASASSSQQ

ClinVar aggregate classification (germline): Uncertain significance. Review status: criteria provided, multiple submitters, no conflicts (2 of 4 stars). 2 submissions from 2 submitters: Uncertain significance (2). Last evaluated 2025-05-19.

Conditions:
Hypertrophic cardiomyopathy. Also called: HYPERTROPHIC MYOCARDIOPATHY. Identifiers: Orphanet 217569, MedGen C0007194, MeSH D002312, MONDO:0005045, HP:0001639.

gnomAD v4.1: 1 of 1,612,992 alleles (0.000062%); highest among the groups gnomAD compares: Admixed American, 0.0017%; no homozygotes.

Submissions (2):

Labcorp Genetics (formerly Invitae), Labcorp
Classification: Uncertain significance for Hypertrophic cardiomyopathy. Last evaluated: 2025-05-19. Review status: criteria provided, single submitter. Criteria: Invitae Variant Classification Sherloc (09022015). Collection method: clinical testing. Allele origin: germline.
Comment: This sequence change replaces phenylalanine, which is neutral and non-polar, with leucine, which is neutral and non-polar, at codon 61 of the MYOM1 protein (p.Phe61Leu). This variant is not present in population databases (gnomAD no frequency). This variant has not been reported in the literature in individuals affected with MYOM1-related conditions. ClinVar contains an entry for this variant (Variation ID: 3401834). An algorithm developed to predict the effect of missense changes on protein structure and function outputs the following: PolyPhen-2: "Benign". The leucine amino acid residue is found in multiple mammalian species, which suggests that this missense change does not adversely affect protein function. In summary, the available evidence is currently insufficient to determine the role of this variant in disease. Therefore, it has been classified as a Variant of Uncertain Significance.

Ambry Genetics
Classification: Uncertain significance. Last evaluated: 2024-08-15. Review status: criteria provided, single submitter. Criteria: Ambry Variant Classification Scheme 2023. Collection method: clinical testing. Allele origin: germline.
Comment: The p.F61L variant (also known as c.183C>G), located in coding exon 1 of the MYOM1 gene, results from a C to G substitution at nucleotide position 183. The phenylalanine at codon 61 is replaced by leucine, an amino acid with highly similar properties. This amino acid position is conserved. In addition, this alteration is predicted to be tolerated by in silico analysis. Based on the available evidence, the clinical significance of this variant remains unclear.